The following is an entry in ClinVar:

ClinVar aggregate classification (germline): Uncertain significance (1 of 4 stars; one submission).

Conditions:
Chédiak-Higashi syndrome (CHS). Also called: Chediak-Higashi Syndrome. Identifiers: Orphanet 167, MedGen C0007965, MONDO:0008963, OMIM 214500.

Submission:

Labcorp Genetics (formerly Invitae), Labcorp
Classification: Uncertain significance for Chédiak-Higashi syndrome. Last evaluated: 2023-08-10. Review status: criteria provided, single submitter. Criteria: Invitae Variant Classification Sherloc (09022015). Collection method: clinical testing. Allele origin: germline.
Comment: ClinVar contains an entry for this variant (Variation ID: 2043873). This sequence change replaces tyrosine, which is neutral and polar, with phenylalanine, which is neutral and non-polar, at codon 1172 of the LYST protein (p.Tyr1172Phe). This variant is not present in population databases (gnomAD no frequency). This variant has not been reported in the literature in individuals affected with LYST-related conditions. Advanced modeling of protein sequence and biophysical properties (such as structural, functional, and spatial information, amino acid conservation, physicochemical variation, residue mobility, and thermodynamic stability) performed at Invitae indicates that this missense variant is not expected to disrupt LYST protein function. In summary, the available evidence is currently insufficient to determine the role of this variant in disease. Therefore, it has been classified as a Variant of Uncertain Significance.

NM_000081.4(LYST):c.3515A>T (p.Tyr1172Phe)

Gene: LYST (lysosomal trafficking regulator; minus strand). Cytogenetic location: 1q42.3.
Variant type: single nucleotide variant.
Coding change: c.3515A>T on transcript NM_000081.4 (MANE Select); coding-DNA position 3515, A replaced by T.
Protein change: p.Tyr1172Phe; replaces tyrosine 1172 with phenylalanine.
Molecular consequence: missense variant.
Genome position (GRCh38, 1-based): chr1:235,804,544, T>A on the plus strand (A>T on the coding strand, the complement: LYST is on the minus strand). VCF-style: chr1-235804544-T-A. GRCh37 (hg19) VCF-style: chr1-235967844-T-A.
Other names: c.3515A>T, p.Tyr1172Phe (NM_001301365.1); short protein forms Y1172F.
Identifiers: ClinVar variation 2043873 (VCV002043873.4), dbSNP rs2527054113, ClinGen allele CA344948559.